The following is an entry in ClinVar:

ClinVar aggregate classification (germline): Uncertain significance. Review status: criteria provided, multiple submitters, no conflicts (2 of 4 stars). 2 submissions from 2 submitters: Uncertain significance (2). Last evaluated 2025-07-24.

Conditions:
Cardiovascular phenotype. Identifiers: MedGen CN230736.

Submissions (2):

Molecular Diagnostic Laboratory for Inherited Cardiovascular Disease, Montreal Heart Institute
Classification: Uncertain significance for Cardiovascular phenotype. Last evaluated: 2025-07-24. Review status: criteria provided, single submitter. Criteria: ACMG Guidelines, 2015. Collection method: clinical testing. Allele origin: germline. Affected: yes.
Comment: PVS1_mod, PM2

Blueprint Genetics
Classification: Uncertain significance. Last evaluated: 2020-05-14. Review status: criteria provided, single submitter. Criteria: ACMG Guidelines, 2015. Collection method: clinical testing. Allele origin: germline.

NM_001267550.2(TTN):c.8641+5G>A

Gene: TTN (titin; minus strand). Cytogenetic location: 2q31.2.
Variant type: single nucleotide variant.
Coding change: c.8641+5G>A on transcript NM_001267550.2 (MANE Select); 5 bases into the intron after coding-DNA position 8641, G replaced by A.
Molecular consequence: intron variant.
Genome position (GRCh38, 1-based): chr2:178,770,055, C>T on the plus strand (G>A on the coding strand, the complement: TTN is on the minus strand). VCF-style: chr2-178770055-C-T. GRCh37 (hg19) VCF-style: chr2-179634782-C-T.
Other names: c.8503+5G>A (NM_003319.4, NM_133437.4, NM_133432.3); c.8641+5G>A (NM_133378.4, NM_001256850.1, NM_133379.5).
Identifiers: ClinVar variation 4076441 (VCV004076441.2).